The following is an entry in ClinVar:

NM_002890.3(RASA1):c.403C>A (p.Pro135Thr)

Gene: RASA1 (RAS p21 protein activator 1; plus strand). Cytogenetic location: 5q14.3.
Variant type: single nucleotide variant.
Coding change: c.403C>A on transcript NM_002890.3 (MANE Select); coding-DNA position 403, C replaced by A.
Protein change: p.Pro135Thr; replaces proline 135 with threonine.
Molecular consequence: missense variant.
Genome position (GRCh38, 1-based): chr5:87,268,854, C>A. VCF-style: chr5-87268854-C-A. GRCh37 (hg19) VCF-style: chr5-86564671-C-A.
Other names: short protein forms P135T.
Identifiers: ClinVar variation 2005618 (VCV002005618.5), dbSNP rs2531003412, ClinGen allele CA360417326.

ClinVar aggregate classification (germline): Uncertain significance. Review status: criteria provided, multiple submitters, no conflicts (2 of 4 stars). 2 submissions from 2 submitters: Uncertain significance (2). Last evaluated 2025-11-15.

Conditions:
Capillary malformation-arteriovenous malformation syndrome. Also called: Capillary malformation-arteriovenous malformation. Identifiers: Orphanet 137667, MedGen C1842180, MONDO:0012016.
Cardiovascular phenotype. Identifiers: MedGen CN230736.

Submissions (2):

Ambry Genetics
Classification: Uncertain significance for Cardiovascular phenotype. Last evaluated: 2025-11-15. Review status: criteria provided, single submitter. Criteria: Ambry Variant Classification Scheme 2023. Collection method: clinical testing. Allele origin: germline.
Comment: The p.P135T variant (also known as c.403C>A), located in coding exon 1 of the RASA1 gene, results from a C to A substitution at nucleotide position 403. The proline at codon 135 is replaced by threonine, an amino acid with highly similar properties. This amino acid position is conserved. In addition, this alteration is predicted to be tolerated by in silico analysis. Based on the available evidence, the clinical significance of this variant remains unclear.

Labcorp Genetics (formerly Invitae), Labcorp
Classification: Uncertain significance for Capillary malformation-arteriovenous malformation syndrome. Last evaluated: 2022-11-15. Review status: criteria provided, single submitter. Criteria: Invitae Variant Classification Sherloc (09022015). Collection method: clinical testing. Allele origin: germline.
Comment: In summary, the available evidence is currently insufficient to determine the role of this variant in disease. Therefore, it has been classified as a Variant of Uncertain Significance. Algorithms developed to predict the effect of missense changes on protein structure and function are either unavailable or do not agree on the potential impact of this missense change (SIFT: "Tolerated"; PolyPhen-2: "Possibly Damaging"; Align-GVGD: "Class C0"). This variant has not been reported in the literature in individuals affected with RASA1-related conditions. This variant is not present in population databases (gnomAD no frequency). This sequence change replaces proline, which is neutral and non-polar, with threonine, which is neutral and polar, at codon 135 of the RASA1 protein (p.Pro135Thr).